The following is an entry in ClinVar:

ClinVar aggregate classification (germline): Conflicting classifications of pathogenicity. Review status: criteria provided, conflicting classifications (1 of 4 stars). 2 submissions from 2 submitters: Uncertain significance (1); Likely benign (1). Last evaluated 2026-08-21.

Conditions:
GABRA1-related disorder. Also called: GABRA1-related condition.
Epilepsy, idiopathic generalized, susceptibility to, 13. Also called: EPILEPSY, JUVENILE MYOCLONIC, SUSCEPTIBILITY TO, 5. Identifiers: Orphanet 307, Orphanet 64280, MedGen C4013473, MONDO:0012627, OMIM 611136.

Allele frequency attached by ClinVar (database versions not stated): TOPMed 0.00002; gnomAD exomes below 0.00001.
gnomAD v4.1: 21 of 1,613,960 alleles (0.0013%); highest among the groups gnomAD compares: East Asian, 0.0089%; no homozygotes.

Submissions (2):

PreventionGenetics, part of Exact Sciences
Classification: Likely benign for GABRA1-related condition. Last evaluated: 2026-08-21. Review status: criteria provided, single submitter. Criteria: ACMG Guidelines, 2015. Collection method: clinical testing. Allele origin: germline.
Comment: This variant is classified as likely benign based on ACMG/AMP sequence variant interpretation guidelines (Richards et al. 2015 PMID: 25741868, with internal and published modifications).

Illumina Laboratory Services, Illumina
Classification: Uncertain significance for Epilepsy, idiopathic generalized, susceptibility to, 13. Last evaluated: 2018-01-12. Review status: criteria provided, single submitter. Criteria: ICSL Variant Classification Criteria 13 December 2019. Collection method: clinical testing. Allele origin: germline.

NM_001127644.2(GABRA1):c.-10C>G

Gene: GABRA1 (gamma-aminobutyric acid type A receptor subunit alpha1; plus strand). Cytogenetic location: 5q34.
Variant type: single nucleotide variant.
Coding change: c.-10C>G on transcript NM_001127644.2 (MANE Select); 10 bases upstream of the start codon, C replaced by G.
Molecular consequence: 5 prime UTR variant.
Genome position (GRCh38, 1-based): chr5:161,850,801, C>G. VCF-style: chr5-161850801-C-G. GRCh37 (hg19) VCF-style: chr5-161277807-C-G.
Other names: c.-10C>G (NM_000806.5, NM_001127643.2, NM_001127645.2 and 1 more transcripts).
Identifiers: ClinVar variation 352595 (VCV000352595.6), dbSNP rs376699435, ClinGen allele CA10623839.